The following is an entry in ClinVar:

ClinVar aggregate classification (germline): Uncertain significance (1 of 4 stars; one submission).

Submission:

GeneDx
Classification: Uncertain significance. Last evaluated: 2024-04-24. Review status: criteria provided, single submitter. Criteria: GeneDx Variant Classification Process June 2021. Collection method: clinical testing. Allele origin: germline. Affected: yes.
Comment: Not observed at significant frequency in large population cohorts (gnomAD); In silico analysis supports that this missense variant has a deleterious effect on protein structure/function; Has not been previously published as pathogenic or benign to our knowledge

NM_004859.4(CLTC):c.3566T>G (p.Phe1189Cys)

Gene: CLTC (clathrin heavy chain; plus strand). Cytogenetic location: 17q23.1.
Variant type: single nucleotide variant.
Coding change: c.3566T>G on transcript NM_004859.4 (MANE Select); coding-DNA position 3566, T replaced by G.
Protein change: p.Phe1189Cys; replaces phenylalanine 1189 with cysteine.
Molecular consequence: missense variant.
Genome position (GRCh38, 1-based): chr17:59,682,394, T>G. VCF-style: chr17-59682394-T-G. GRCh37 (hg19) VCF-style: chr17-57759755-T-G.
Other names: c.3578T>G, p.Phe1193Cys (NM_001288653.2); short protein forms F1189C, F1193C.
Identifiers: ClinVar variation 3372792 (VCV003372792.1).